The following is an entry in ClinVar:

NM_001429.4(EP300):c.6676C>T (p.Arg2226Trp)

Gene: EP300 (EP300 lysine acetyltransferase; plus strand). Cytogenetic location: 22q13.2.
Variant type: single nucleotide variant.
Coding change: c.6676C>T on transcript NM_001429.4 (MANE Select); coding-DNA position 6676, C replaced by T.
Protein change: p.Arg2226Trp; replaces arginine 2226 with tryptophan.
Molecular consequence: missense variant.
Genome position (GRCh38, 1-based): chr22:41,178,387, C>T. VCF-style: chr22-41178387-C-T. GRCh37 (hg19) VCF-style: chr22-41574391-C-T.
Other names: c.6598C>T, p.Arg2200Trp (NM_001362843.2); c.6676C>T (NM_001429.3); short protein forms R2226W, R2200W.
Identifiers: ClinVar variation 3720048 (VCV003720048.3).

ClinVar aggregate classification (germline): Conflicting classifications of pathogenicity. Review status: criteria provided, conflicting classifications (1 of 4 stars). 2 submissions from 2 submitters: Uncertain significance (1); Likely benign (1). Last evaluated 2026-02-04.

Conditions:
EP300-related disorder. Also called: EP300-related condition; EP300-related disorders.
Rubinstein-Taybi syndrome due to EP300 haploinsufficiency. Also called: EP300-Related Rubinstein-Taybi Syndrome; RUBINSTEIN-TAYBI SYNDROME 2. Identifiers: Orphanet 353284, Orphanet 783, MedGen C3150941, MONDO:0013364, OMIM 613684.

gnomAD v4.1: 16 of 1,614,010 alleles (0.00099%); highest among the groups gnomAD compares: African/African-American, 0.0067%; no homozygotes.

Submissions (2):

PreventionGenetics, part of Exact Sciences
Classification: Uncertain significance for EP300-related condition. Last evaluated: 2026-02-04. Review status: criteria provided, single submitter. Criteria: ACMG Guidelines, 2015. Collection method: clinical testing. Allele origin: germline.
Comment: The EP300 c.6676C>T variant is predicted to result in the amino acid substitution p.Arg2226Trp. To our knowledge, this variant has not been reported in the literature in patients with EP300-related disorders. This variant is reported in 0.0040% of alleles in individuals of African descent in gnomAD. A different variant affecting the same amino acid (p.Arg2226Gln) has been reported in an individual with Rubinstein-Taybi Syndrome and autistic features (Suppl. Table S1, Monies et al. 2017. PubMed ID: 28600779). At this time, the clinical significance of this variant is uncertain due to the absence of conclusive functional and genetic evidence.

Labcorp Genetics (formerly Invitae), Labcorp
Classification: Likely benign for Rubinstein-Taybi syndrome due to EP300 haploinsufficiency. Last evaluated: 2025-07-21. Review status: criteria provided, single submitter. Criteria: Invitae Variant Classification Sherloc (09022015). Collection method: clinical testing. Allele origin: germline.